The following is an entry in ClinVar:

ClinVar aggregate classification (germline): Uncertain significance. Review status: criteria provided, multiple submitters, no conflicts (2 of 4 stars). 2 submissions from 2 submitters: Uncertain significance (2). Last evaluated 2020-02-10.

Conditions:
Fanconi anemia (FA). Also called: Fanconi's anemia. Identifiers: Orphanet 84, MedGen C0015625, MeSH D005199, MONDO:0019391.

Allele frequency attached by ClinVar (database versions not stated): gnomAD exomes below 0.00001.

Submissions (2):

GeneDx
Classification: Uncertain significance. Last evaluated: 2020-02-10. Review status: criteria provided, single submitter. Criteria: GeneDx Variant Classification Process June 2021. Collection method: clinical testing. Allele origin: germline. Affected: yes.
Comment: Not observed in large population cohorts (Lek et al., 2016); In silico analysis supports that this missense variant does not alter protein structure/function; Has not been previously published as pathogenic or benign to our knowledge

Labcorp Genetics (formerly Invitae), Labcorp
Classification: Uncertain significance for Fanconi anemia. Last evaluated: 2019-12-30. Review status: criteria provided, single submitter. Criteria: Invitae Variant Classification Sherloc (09022015). Collection method: clinical testing. Allele origin: germline.
Comment: In summary, the available evidence is currently insufficient to determine the role of this variant in disease. Therefore, it has been classified as a Variant of Uncertain Significance. Algorithms developed to predict the effect of missense changes on protein structure and function output the following: SIFT: "Tolerated"; PolyPhen-2: "Benign"; Align-GVGD: "Class C0". The proline amino acid residue is found in multiple mammalian species, suggesting that this missense change does not adversely affect protein function. These predictions have not been confirmed by published functional studies and their clinical significance is uncertain. This variant has not been reported in the literature in individuals with FANCM-related conditions. This variant is not present in population databases (ExAC no frequency). This sequence change replaces serine with proline at codon 1344 of the FANCM protein (p.Ser1344Pro). The serine residue is weakly conserved and there is a moderate physicochemical difference between serine and proline.

NM_020937.4(FANCM):c.4030T>C (p.Ser1344Pro)

Gene: FANCM (FA complementation group M; plus strand). Cytogenetic location: 14q21.2.
Variant type: single nucleotide variant.
Coding change: c.4030T>C on transcript NM_020937.4 (MANE Select); coding-DNA position 4030, T replaced by C.
Protein change: p.Ser1344Pro; replaces serine 1344 with proline.
Molecular consequence: missense variant.
Genome position (GRCh38, 1-based): chr14:45,176,784, T>C. VCF-style: chr14-45176784-T-C. GRCh37 (hg19) VCF-style: chr14-45645987-T-C.
Other names: c.3952T>C, p.Ser1318Pro (NM_001308133.2); short protein forms S1344P, S1318P.
Identifiers: ClinVar variation 860886 (VCV000860886.12), dbSNP rs1888737260, ClinGen allele CA389604006.